The following is an entry in ClinVar:

ClinVar aggregate classification (germline): Likely pathogenic. Review status: criteria provided, single submitter (1 of 4 stars). 2 submissions from 2 submitters: Likely pathogenic (1). 1 of the submissions does not count toward it. Last evaluated 2024-04-18.

Conditions:
Fanconi anemia complementation group A (FANCA). Also called: Fanconi anemia, group A; FANCA-Related Fanconi Anemia. Identifiers: Orphanet 84, MedGen C3469521, MONDO:0009215, OMIM 227650.
Fanconi anemia (FA). Also called: Fanconi's anemia. Identifiers: Orphanet 84, MedGen C0015625, MeSH D005199, MONDO:0019391.

Submissions (2):

Women's Health and Genetics/Laboratory Corporation of America, LabCorp
Classification: Likely pathogenic for Fanconi anemia. Last evaluated: 2024-04-18. Review status: criteria provided, single submitter. Criteria: LabCorp Variant Classification Summary - May 2015. Collection method: clinical testing. Allele origin: germline.
Comment: Variant summary: FANCA c.3335T>G (p.Val1112Gly) results in a non-conservative amino acid change in the encoded protein sequence. Five of five in-silico tools predict a damaging effect of the variant on protein function. The variant was absent in 250954 control chromosomes. c.3335T>G has been reported in the literature as a compound heterozygous genotye in at-least one individual affected with Fanconi Anemia (example, Bogliolo_2020). At least one publication reports experimental evidence evaluating an impact on protein function (Bogliolo_2020). The most pronounced variant effect results in lack of ability to compliment FANCD2 monoubiquitination, sensitivity to MMC treatment and a clear G2/M block. The following publications have been ascertained in the context of this evaluation (PMID: 31586946, 21273304). ClinVar contains an entry for this variant (Variation ID: 974349). Based on the evidence outlined above, the variant was classified as likely pathogenic.

Leiden Open Variation Database
Classification: Uncertain significance for Fanconi anemia complementation group A. Last evaluated: 2020-02-28. Review status: no assertion criteria provided. Collection method: curation. Allele origin: germline. Affected: yes. Not counted in ClinVar's aggregate classification.
Comment: Curator: Arleen D. Auerbach. Submitter to LOVD: Arleen D. Auerbach.

Literature cited by the submitters: PubMed 21273304 (cited by Women's Health and Genetics/Laboratory Corporation of America, LabCorp and Leiden Open Variation Database); PubMed 31586946 (cited by Women's Health and Genetics/Laboratory Corporation of America, LabCorp).

NM_000135.4(FANCA):c.3335T>G (p.Val1112Gly)

Gene: FANCA (FA complementation group A; minus strand). Cytogenetic location: 16q24.3.
Variant type: single nucleotide variant.
Coding change: c.3335T>G on transcript NM_000135.4 (MANE Select); coding-DNA position 3335, T replaced by G.
Protein change: p.Val1112Gly; replaces valine 1112 with glycine.
Molecular consequence: missense variant.
Genome position (GRCh38, 1-based): chr16:89,748,672, A>C on the plus strand (T>G on the coding strand, the complement: FANCA is on the minus strand). VCF-style: chr16-89748672-A-C. GRCh37 (hg19) VCF-style: chr16-89815080-A-C.
Other names: c.3335T>G, p.Val1112Gly (NM_001286167.3); short protein forms V1112G.
Identifiers: ClinVar variation 974349 (VCV000974349.2), dbSNP rs2038474528, ClinGen allele CA397486206.